The following is an entry in ClinVar:

NM_000046.5(ARSB):c.1214G>A (p.Cys405Tyr)

Gene: ARSB (arylsulfatase B; minus strand). Cytogenetic location: 5q14.1.
Variant type: single nucleotide variant.
Coding change: c.1214G>A on transcript NM_000046.5 (MANE Select); coding-DNA position 1214, G replaced by A.
Protein change: p.Cys405Tyr; replaces cysteine 405 with tyrosine.
Molecular consequence: missense variant.
Genome position (GRCh38, 1-based): chr5:78,781,974, C>T on the plus strand (G>A on the coding strand, the complement: ARSB is on the minus strand). VCF-style: chr5-78781974-C-T. GRCh37 (hg19) VCF-style: chr5-78077797-C-T.
Other names: short protein forms C405Y.
Identifiers: ClinVar variation 880 (VCV000000880.22), dbSNP rs118203941, ClinGen allele CA114603.

ClinVar aggregate classification (germline): Pathogenic/Likely pathogenic. Review status: criteria provided, multiple submitters, no conflicts (2 of 4 stars). 10 submissions from 10 submitters: Pathogenic (4); Likely pathogenic (4). 2 of the submissions do not count toward it. Last evaluated 2026-08-11.

Conditions:
ARSB-related disorder. Also called: ARSB-related condition.
Mucopolysaccharidosis, type vi, severe. Identifiers: MedGen C4017253.
Mucopolysaccharidosis type 6 (MPS6). Also called: ARSB DEFICIENCY; ARYLSULFATASE B DEFICIENCY; MPS VI; MPS 6; Maroteaux Lamy syndrome; N-ACETYLGALACTOSAMINE-4-SULFATASE DEFICIENCY. Identifiers: Orphanet 583, MedGen C0026709, MONDO:0009661, OMIM 253200.
Metachromatic leukodystrophy (MLD). Also called: ARSA DEFICIENCY; CEREBROSIDE SULFATASE DEFICIENCY; Arylsulfatase A Deficiency; SULFATIDE LIPIDOSIS; Cerebral sclerosis diffuse metachromatic form; METACHROMATIC LEUKOENCEPHALOPATHY. Identifiers: Orphanet 512, MedGen C0023522, MONDO:0018868, OMIM 250100.

Allele frequency attached by ClinVar (database versions not stated): ExAC 0.00001; gnomAD 0.00002 and 0.00003; gnomAD exomes 0.00002 and 0.00003; TOPMed 0.00005.

Submissions (10):

PreventionGenetics, part of Exact Sciences
Classification: Likely pathogenic for ARSB-related condition. Last evaluated: 2026-08-11. Review status: criteria provided, single submitter. Criteria: ACMG Guidelines, 2015. Collection method: clinical testing. Allele origin: germline.
Comment: The ARSB c.1214G>A variant is predicted to result in the amino acid substitution p.Cys405Tyr. This variant has been reported with a second ARSB variant in multiple individuals with mucopolysaccharidosis type VI (Jin et al. 1992. PubMed ID: 1550123; Supplemental Material, Karageorgos et al. 2007. PubMed ID: 17458871). This variant is reported in 0.0053% of alleles in individuals of European (Non-Finnish) descent in gnomAD. This variant is interpreted as likely pathogenic.

Labcorp Genetics (formerly Invitae), Labcorp
Classification: Pathogenic for Mucopolysaccharidosis type 6. Last evaluated: 2025-10-11. Review status: criteria provided, single submitter. Criteria: Invitae Variant Classification Sherloc (09022015). Collection method: clinical testing. Allele origin: germline.
Comment: This sequence change replaces cysteine, which is neutral and slightly polar, with tyrosine, which is neutral and polar, at codon 405 of the ARSB protein (p.Cys405Tyr). This variant is present in population databases (rs118203941, gnomAD 0.004%). This missense change has been observed in individual(s) with clinical features of mucopolysaccharidosis type VI (PMID: 1550123, 17458871; internal data). In at least one individual the data is consistent with being in trans (on the opposite chromosome) from a pathogenic variant. ClinVar contains an entry for this variant (Variation ID: 880). An algorithm developed to predict the effect of missense changes on protein structure and function (PolyPhen-2) suggests that this variant is likely to be tolerated. For these reasons, this variant has been classified as Pathogenic.

Natera, Inc.
Classification: Likely pathogenic for Mucopolysaccharidosis type VI. Last evaluated: 2025-09-14. Review status: criteria provided, single submitter. Criteria: Natera Variant Classification Schema (03/2026). Collection method: clinical testing. Allele origin: germline.
Comment: The c.1214G>A variant in ARSB is a missense variant predicted to cause substitution of cysteine to tyrosine at amino acid 405. This variant is rare in the general population with a frequency below the threshold expected for the associated phenotype(s). This variant has been observed in one or more individuals affected with the associated recessive disease, as either homozygous or compound heterozygous with a second variant (PMID: 1550123, 17458871). Given the available evidence, this variant is classified as Likely Pathogenic.

Fulgent Genetics
Classification: Likely pathogenic for Mucopolysaccharidosis type 6. Last evaluated: 2024-05-31. Review status: criteria provided, single submitter. Criteria: ACMG Guidelines, 2015. Collection method: clinical testing. Allele origin: germline.

Baylor Genetics
Classification: Pathogenic for Mucopolysaccharidosis type 6. Last evaluated: 2024-03-12. Review status: criteria provided, single submitter. Criteria: ACMG Guidelines, 2015. Collection method: clinical testing. Allele origin: unknown.

Revvity Omics, Revvity
Classification: Likely pathogenic for Mucopolysaccharidosis type 6. Last evaluated: 2022-02-14. Review status: criteria provided, single submitter. Criteria: ACMG Guidelines, 2015. Collection method: clinical testing. Allele origin: germline.

Women's Health and Genetics/Laboratory Corporation of America, LabCorp
Classification: Pathogenic for Metachromatic leukodystrophy. Last evaluated: 2018-05-24. Review status: criteria provided, single submitter. Criteria: LabCorp Variant Classification Summary - May 2015. Collection method: clinical testing. Allele origin: germline.
Comment: Variant summary: ARSB c.1214G>A (p.Cys405Tyr) results in a non-conservative amino acid change in the encoded protein sequence. Though the variant is located at an exon-intron junction, 5/5 computational tools predict no significant impact on normal splicing. These predictions have been confirmed by functional studies, where full-length mRNA containing the mutation c.1214G>A was detected (Jin 1992, Karageorgos 2007), predicted to result in a protein with the missense change p.C405Y. Three of five in-silico tools predict a damaging effect of the variant on protein function. The variant allele was found at a frequency of 2e-05 in 246184 control chromosomes. This frequency is lower than expected for a pathogenic variant in ARSB causing Mucopolysaccharidosis Type VI (Maroteaux-Lamy Syndrome) (2e-05 vs 0.0022), allowing no conclusion about variant significance. The variant, c.1214G>A has been reported in the literature in individuals affected with Mucopolysaccharidosis Type VI (Maroteaux-Lamy Syndrome) presenting with a slowly progressing, milder disease phenotype (Jin 1992, Karageorgos 2007). These data indicate that the variant is likely to be associated with disease. These publications also reported experimental evidence evaluating an impact on protein function. The most pronounced variant effect results in <10% of normal activity (Jin 1992, Karageorgos 2007). One clinical diagnostic laboratory has submitted clinical-significance assessments for this variant to ClinVar after 2014 without evidence for independent evaluation, and classified the variant as pathogenic. Based on the evidence outlined above, the variant was classified as pathogenic.

Eurofins Ntd Llc (ga)
Classification: Pathogenic. Last evaluated: 2015-02-12. Review status: criteria provided, single submitter. Criteria: EGL Classification Definitions 2015. Collection method: clinical testing. Allele origin: germline. Observed: 3 variant alleles, 2 heterozygotes, 1 homozygote.

OMIM
Classification: Pathogenic for MUCOPOLYSACCHARIDOSIS, TYPE VI, SEVERE. Last evaluated: 1992-04-01. Review status: no assertion criteria provided. Collection method: literature only. Allele origin: germline. Not counted in ClinVar's aggregate classification.

Laboratory of Diagnosis and Therapy of Lysosomal Disorders, University of Padova
Classification: Uncertain significance for Mucopolysaccharidosis type 6. Last evaluated: 2018-01-01. Review status: flagged submission. Criteria: ACMG Guidelines, 2015. Collection method: curation. Allele origin: germline. Affected: yes. Not counted in ClinVar's aggregate classification.
Comment: Absent from GnomAD (PM2)
ClinVar note: Reason: Outlier claim with insufficient supporting evidence

Literature cited by the submitters: PubMed 1550123 (cited by 6 submitters); PubMed 17458871 (cited by 5 submitters); PubMed 8116615 (cited by Women's Health and Genetics/Laboratory Corporation of America, LabCorp); PubMed 30118150 (cited by Laboratory of Diagnosis and Therapy of Lysosomal Disorders, University of Padova).